The following is an entry in ClinVar:

NM_017654.4(SAMD9):c.4065A>C (p.Gln1355His)

Gene: SAMD9 (sterile alpha motif domain containing 9; minus strand). Cytogenetic location: 7q21.2.
Variant type: single nucleotide variant.
Coding change: c.4065A>C on transcript NM_017654.4 (MANE Select); coding-DNA position 4065, A replaced by C.
Protein change: p.Gln1355His; replaces glutamine 1355 with histidine.
Molecular consequence: missense variant.
Genome position (GRCh38, 1-based): chr7:93,102,033, T>G on the plus strand (A>C on the coding strand, the complement: SAMD9 is on the minus strand). VCF-style: chr7-93102033-T-G. GRCh37 (hg19) VCF-style: chr7-92731346-T-G.
Other names: c.4065A>C, p.Gln1355His (NM_001193307.2); short protein forms Q1355H.
Identifiers: ClinVar variation 2573841 (VCV002573841.4), dbSNP rs376068011, ClinGen allele CA4342606.
Genomic context (GRCh38, chr7:93,102,033, plus strand): 5'-TTGTTCTAAGAGAAAAGTATATTCGTTCACTATACATTTCATAGTGCTTATAGCATCCTC[T>G]TGACTTTTGATAAGATATTCCAAGAGCCCAGAAAACTTGTCTGCTTTTAAAGCTACTAGG-3'
Protein context (NP_060124.2, residues 1345-1365): SGLLEYLIKS[Gln1355His]EDAISTMKCI

ClinVar aggregate classification (germline): Conflicting classifications of pathogenicity. Review status: criteria provided, conflicting classifications (1 of 4 stars). 3 submissions from 3 submitters: Uncertain significance (2); Likely benign (1). Last evaluated 2025-02-16.

Conditions:
Inborn genetic diseases. Identifiers: MedGen C0950123, MeSH D030342.

Allele frequency attached by ClinVar (database versions not stated): ExAC 0.00002; gnomAD exomes 0.00001; TOPMed 0.00001; gnomAD 0.00001; ESP Exome Variant Server 0.00008.
gnomAD v4.1: 14 of 1,613,316 alleles (0.00087%); highest among the groups gnomAD compares: Non-Finnish European, 0.0012%; no homozygotes.

Submissions (3):

Laboratory of Genetics, Children's Clinical University Hospital Latvia
Classification: Likely benign. Last evaluated: 2025-02-16. Review status: criteria provided, single submitter. Criteria: ACMG Guidelines, 2015. Collection method: clinical testing. Allele origin: germline. Affected: yes.

Ambry Genetics
Classification: Uncertain significance for Inborn genetic diseases. Last evaluated: 2024-11-18. Review status: criteria provided, single submitter. Criteria: Ambry Variant Classification Scheme 2023. Collection method: clinical testing. Allele origin: germline.
Comment: The p.Q1355H variant (also known as c.4065A>C), located in coding exon 1 of the SAMD9 gene, results from an A to C substitution at nucleotide position 4065. The glutamine at codon 1355 is replaced by histidine, an amino acid with highly similar properties. This amino acid position is conserved. In addition, this alteration is predicted to be tolerated by in silico analysis. Based on the available evidence, the clinical significance of this variant remains unclear.

GeneDx
Classification: Uncertain significance. Last evaluated: 2024-02-27. Review status: criteria provided, single submitter. Criteria: GeneDx Variant Classification Process June 2021. Collection method: clinical testing. Allele origin: germline.
Comment: Not observed at significant frequency in large population cohorts (gnomAD); In silico analysis supports that this missense variant does not alter protein structure/function; Has not been previously published as pathogenic or benign to our knowledge